The following is an entry in ClinVar:

NM_001042492.3(NF1):c.5358G>A (p.Ser1786=)

Gene: NF1 (neurofibromin 1; plus strand). Cytogenetic location: 17q11.2.
Variant type: single nucleotide variant.
Coding change: c.5358G>A on transcript NM_001042492.3 (MANE Select); coding-DNA position 5358, G replaced by A.
Protein change: p.Ser1786=; no amino-acid change (serine 1786 retained).
Molecular consequence: synonymous variant.
Genome position (GRCh38, 1-based): chr17:31,327,588, G>A. VCF-style: chr17-31327588-G-A. GRCh37 (hg19) VCF-style: chr17-29654606-G-A.
Other names: c.5295G>A, p.Ser1765= (NM_000267.4).
Identifiers: ClinVar variation 424072 (VCV000424072.57), dbSNP rs373313111, ClinGen allele CA8487177.

ClinVar aggregate classification (germline): Conflicting classifications of pathogenicity. Review status: criteria provided, conflicting classifications (1 of 4 stars). 4 submissions from 4 submitters: Uncertain significance (2); Likely benign (2). Last evaluated 2026-08-17.

Conditions:
Cardiovascular phenotype. Identifiers: MedGen CN230736.
Hereditary cancer-predisposing syndrome. Also called: Hereditary Cancer Syndrome; Tumor predisposition; Hereditary neoplastic syndrome; Neoplastic Syndromes, Hereditary. Identifiers: Orphanet 140162, MedGen C0027672, MeSH D009386, MONDO:0015356.
Juvenile myelomonocytic leukemia (JMML). Also called: LEUKEMIA, JUVENILE MYELOMONOCYTIC, SOMATIC. Identifiers: Orphanet 86834, MedGen C0349639, MONDO:0011908, OMIM 607785, HP:0012209.
Neurofibromatosis-Noonan syndrome (NFNS). Also called: NEUROFIBROMATOSIS WITH NOONAN PHENOTYPE. Identifiers: Orphanet 638, MedGen C2931482, MONDO:0011035, OMIM 601321. Disease mechanism: loss of function.
Neurofibromatosis, familial spinal (FSNF). Identifiers: Orphanet 636, MedGen C1834235, MONDO:0008078, OMIM 162210. Disease mechanism: loss of function.
Café-au-lait macules with pulmonary stenosis (WTSN). Also called: PULMONIC STENOSIS WITH CAFE-AU-LAIT SPOTS. Identifiers: MedGen C0553586, MONDO:0008672, OMIM 193520.
Neurofibromatosis, type 1 (NF1). Also called: Neurofibromatosis, type I; Peripheral type neurofibromatosis; VON RECKLINGHAUSEN DISEASE; NEUROFIBROMATOSIS, TYPE I, SOMATIC. Identifiers: Orphanet 636, MedGen C0027831, MONDO:0018975, OMIM 162200. Disease mechanism: loss of function.

Allele frequency attached by ClinVar (database versions not stated): TOPMed below 0.00001; ExAC 0.00001; gnomAD 0.00001; ESP Exome Variant Server 0.00008; gnomAD exomes below 0.00001.
gnomAD v4.1: 5 of 1,613,994 alleles (0.00031%); highest among the groups gnomAD compares: Non-Finnish European, 0.00042%; no homozygotes.

Submissions (4):

GeneDx
Classification: Uncertain significance. Last evaluated: 2026-08-17. Review status: criteria provided, single submitter. Criteria: GeneDx Variant Classification Process June 2021. Collection method: clinical testing. Allele origin: germline.
Comment: In silico analysis suggests this variant may impact gene splicing. In the absence of RNA/functional studies, the actual effect of this sequence change is unknown.; Reported in controls but absent from cases in a breast cancer study (PMID: 30287823); This variant is associated with the following publications: (PMID: 30287823, 36243179)

Labcorp Genetics (formerly Invitae), Labcorp
Classification: Likely benign for Neurofibromatosis, type 1. Last evaluated: 2025-12-26. Review status: criteria provided, single submitter. Criteria: Invitae Variant Classification Sherloc (09022015). Collection method: clinical testing. Allele origin: germline.

Fulgent Genetics
Classification: Uncertain significance for Neurofibromatosis, type 1; Neurofibromatosis, familial spinal; Café-au-lait macules with pulmonary stenosis; Neurofibromatosis-Noonan syndrome; Juvenile myelomonocytic leukemia. Last evaluated: 2024-03-22. Review status: criteria provided, single submitter. Criteria: ACMG Guidelines, 2015. Collection method: clinical testing. Allele origin: germline.

Ambry Genetics
Classification: Likely benign for Cardiovascular phenotype; Hereditary cancer-predisposing syndrome. Last evaluated: 2023-12-14. Review status: criteria provided, single submitter. Criteria: Ambry Variant Classification Scheme 2023. Collection method: clinical testing. Allele origin: germline.